The following is an entry in ClinVar:

ClinVar aggregate classification (germline): Uncertain significance (1 of 4 stars; one submission).

Submission:

CeGaT Center for Human Genetics Tuebingen
Classification: Uncertain significance. Last evaluated: 2025-12-01. Review status: criteria provided, single submitter. Criteria: CeGaT Center For Human Genetics Tuebingen Variant Classification Criteria Version 2. Collection method: clinical testing. Allele origin: germline. Affected: yes. Observed: 1 variant allele.
Comment: GJB1: PM2

NM_000166.6(GJB1):c.680C>T (p.Pro227Leu)

Gene: GJB1 (gap junction protein beta 1; plus strand). Cytogenetic location: Xq13.1.
Variant type: single nucleotide variant.
Coding change: c.680C>T on transcript NM_000166.6 (MANE Select); coding-DNA position 680, C replaced by T.
Protein change: p.Pro227Leu; replaces proline 227 with leucine.
Molecular consequence: missense variant.
Genome position (GRCh38, 1-based): chrX:71,224,387, C>T. VCF-style: chrX-71224387-C-T. GRCh37 (hg19) VCF-style: chrX-70444237-C-T.
Other names: c.680C>T, p.Pro227Leu (NM_001097642.3, NM_001440770.1); short protein forms P227L.
Identifiers: ClinVar variation 4681698 (VCV004681698.5).